The following is an entry in ClinVar:

NM_000059.4(BRCA2):c.632-3C>T

Gene: BRCA2 (BRCA2 DNA repair associated; plus strand). Cytogenetic location: 13q13.1.
Variant type: single nucleotide variant.
Coding change: c.632-3C>T on transcript NM_000059.4 (MANE Select); 3 bases into the intron before coding-DNA position 632, C replaced by T.
Molecular consequence: intron variant.
Genome position (GRCh38, 1-based): chr13:32,329,440, C>T. VCF-style: chr13-32329440-C-T. GRCh37 (hg19) VCF-style: chr13-32903577-C-T.
Identifiers: ClinVar variation 883271 (VCV000883271.10), dbSNP rs568027879, ClinGen allele CA658795320.

ClinVar aggregate classification (germline): Conflicting classifications of pathogenicity. Review status: criteria provided, conflicting classifications (1 of 4 stars). 5 submissions from 4 submitters: Uncertain significance (4); Likely benign (1). Last evaluated 2024-05-23.

Conditions:
Fanconi anemia complementation group D1. Also called: BRCA2-Related Fanconi Anemia. Identifiers: Orphanet 319462, MedGen C1838457, MONDO:0011584, OMIM 605724.
Breast-ovarian cancer, familial, susceptibility to, 2 (BROVCA2). Also called: BRCA2 Hereditary Breast and Ovarian Cancer. Identifiers: Orphanet 145, MedGen C2675520, MONDO:0012933, OMIM 612555. Disease mechanism: loss of function.
Hereditary cancer-predisposing syndrome. Also called: Tumor predisposition; Neoplastic Syndromes, Hereditary; Hereditary neoplastic syndrome; Hereditary Cancer Syndrome. Identifiers: Orphanet 140162, MedGen C0027672, MeSH D009386, MONDO:0015356.
Hereditary breast ovarian cancer syndrome. Also called: Hereditary breast and ovarian cancer; Breast and ovarian cancer; Hereditary breast and/or ovarian cancer syndrome; BRCA1- and BRCA2-Associated Hereditary Breast and Ovarian Cancer; Hereditary breast and ovarian cancer syndrome; Hereditary breast and ovarian cancer syndrome (HBOC). Identifiers: Orphanet 145, MedGen C0677776, MeSH D061325, MONDO:0003582. Disease mechanism: loss of function.

Submissions (5):

Ambry Genetics
Classification: Uncertain significance for Hereditary cancer-predisposing syndrome. Last evaluated: 2024-05-23. Review status: criteria provided, single submitter. Criteria: Ambry Variant Classification Scheme 2023. Collection method: clinical testing. Allele origin: germline.
Comment: The c.632-3C>T intronic variant results from a C to T substitution 3 nucleotides upstream from coding exon 7 in the BRCA2 gene. This nucleotide position is well conserved in available vertebrate species. In silico splice site analysis predicts that this alteration will not have any significant effect on splicing. Based on the available evidence, the clinical significance of this variant remains unclear.

Labcorp Genetics (formerly Invitae), Labcorp
Classification: Uncertain significance for Hereditary breast ovarian cancer syndrome. Last evaluated: 2023-07-19. Review status: criteria provided, single submitter. Criteria: Invitae Variant Classification Sherloc (09022015). Collection method: clinical testing. Allele origin: germline.
Comment: This sequence change falls in intron 7 of the BRCA2 gene. It does not directly change the encoded amino acid sequence of the BRCA2 protein. It affects a nucleotide within the consensus splice site. This variant is not present in population databases (gnomAD no frequency). This variant has been observed in individual(s) with colorectal cancer (PMID: 28135145). ClinVar contains an entry for this variant (Variation ID: 883271). Variants that disrupt the consensus splice site are a relatively common cause of aberrant splicing (PMID: 17576681, 9536098). Algorithms developed to predict the effect of sequence changes on RNA splicing suggest that this variant is not likely to affect RNA splicing. In summary, the available evidence is currently insufficient to determine the role of this variant in disease. Therefore, it has been classified as a Variant of Uncertain Significance.

Color Diagnostics, LLC DBA Color Health
Classification: Likely benign for Hereditary cancer-predisposing syndrome. Last evaluated: 2019-12-02. Review status: criteria provided, single submitter. Criteria: ACMG Guidelines, 2015. Collection method: clinical testing. Allele origin: germline.

Illumina Laboratory Services, Illumina
Classification: Uncertain significance for Breast-ovarian cancer, familial, susceptibility to, 2. Last evaluated: 2017-04-28. Review status: criteria provided, single submitter. Criteria: ICSL Variant Classification Criteria 13 December 2019. Collection method: clinical testing. Allele origin: germline.

Illumina Laboratory Services, Illumina
Classification: Uncertain significance for Fanconi anemia complementation group D1. Last evaluated: 2017-04-28. Review status: criteria provided, single submitter. Criteria: ICSL Variant Classification Criteria 13 December 2019. Collection method: clinical testing. Allele origin: germline.
Comment: This variant was observed as part of a predisposition screen in an ostensibly healthy population. A literature search was performed for the gene, cDNA change, and amino acid change (where applicable). Publications were found based on this search. However, the evidence from the literature, in combination with allele frequency data from public databases where available, was not sufficient to rule this variant in or out of causing disease. Therefore, this variant is classified as a variant of unknown significance.

Literature cited by the submitters: PubMed 28135145 (cited by Labcorp Genetics (formerly Invitae), Labcorp); PubMed 17576681 (cited by Labcorp Genetics (formerly Invitae), Labcorp); PubMed 9536098 (cited by Labcorp Genetics (formerly Invitae), Labcorp); PubMed 26780556 (cited by Illumina Laboratory Services, Illumina).